The following is an entry in ClinVar:

ClinVar aggregate classification (germline): Uncertain significance (1 of 4 stars; one submission).

Conditions:
Epidermolysis bullosa simplex with nail dystrophy (EBS5D). Identifiers: MedGen C4225309, MONDO:0014661, OMIM 616487.
Autosomal recessive limb-girdle muscular dystrophy type 2Q (LGMDR17). Also called: MUSCULAR DYSTROPHY, LIMB-GIRDLE, AUTOSOMAL RECESSIVE 17. Identifiers: Orphanet 254361, MedGen C3150989, MONDO:0013390, OMIM 613723.
Epidermolysis bullosa simplex 5B, with muscular dystrophy (EBS5B). Also called: Epidermolysis bullosa simplex with muscular dystrophy; EPIDERMOLYSIS BULLOSA SIMPLEX AND LIMB-GIRDLE MUSCULAR DYSTROPHY. Identifiers: Orphanet 257, MedGen C2931072, MONDO:0009181, OMIM 226670.
Epidermolysis bullosa simplex 5C, with pyloric atresia (EBS5C). Also called: PLEC-Related Epidermolysis Bullosa with Pyloric Atresia; Epidermolysis bullosa simplex with pyloric atresia; PLEC1-Related Epidermolysis Bullosa with Pyloric Atresia. Identifiers: Orphanet 158684, MedGen C2677349, MONDO:0012807, OMIM 612138.
Epidermolysis bullosa simplex, Ogna type (EBS5A). Also called: Pidermolysis bullosa simplex 5A, Ogna type; EPIDERMOLYSIS BULLOSA SIMPLEX 5A, OGNA TYPE. Identifiers: Orphanet 79401, MedGen C0432317, MONDO:0007555, OMIM 131950.

Submission:

Labcorp Genetics (formerly Invitae), Labcorp
Classification: Uncertain significance for Autosomal recessive limb-girdle muscular dystrophy type 2Q; Epidermolysis bullosa simplex, Ogna type; Epidermolysis bullosa simplex with nail dystrophy; Epidermolysis bullosa simplex 5C, with pyloric atresia; Epidermolysis bullosa simplex 5B, with muscular dystrophy. Last evaluated: 2024-10-02. Review status: criteria provided, single submitter. Criteria: Invitae Variant Classification Sherloc (09022015). Collection method: clinical testing. Allele origin: germline.
Comment: This sequence change replaces glutamic acid, which is acidic and polar, with glutamine, which is neutral and polar, at codon 464 of the PLEC protein (p.Glu464Gln). This variant is not present in population databases (gnomAD no frequency). This variant has not been reported in the literature in individuals affected with PLEC-related conditions. Experimental studies and prediction algorithms are not available or were not evaluated, and the functional significance of this variant is currently unknown. In summary, the available evidence is currently insufficient to determine the role of this variant in disease. Therefore, it has been classified as a Variant of Uncertain Significance.

NM_201384.3(PLEC):c.1309G>C (p.Glu437Gln)

Gene: PLEC (plectin; minus strand). Cytogenetic location: 8q24.3.
Variant type: single nucleotide variant.
Coding change: c.1309G>C on transcript NM_201384.3 (MANE Select); coding-DNA position 1309, G replaced by C.
Protein change: p.Glu437Gln; replaces glutamic acid 437 with glutamine.
Molecular consequence: missense variant.
Genome position (GRCh38, 1-based): chr8:143,933,306, C>G on the plus strand (G>C on the coding strand, the complement: PLEC is on the minus strand). VCF-style: chr8-143933306-C-G. GRCh37 (hg19) VCF-style: chr8-145007474-C-G.
Other names: c.1309G>C, p.Glu437Gln (NM_201382.4); c.1321G>C, p.Glu441Gln (NM_201383.3); c.1720G>C, p.Glu574Gln (NM_201380.4); c.1213G>C, p.Glu405Gln (NM_201381.3); c.1390G>C, p.Glu464Gln (NM_000445.5, NM_001410941.1); c.1267G>C, p.Glu423Gln (NM_201378.4); c.1243G>C, p.Glu415Gln (NM_201379.3); short protein forms E405Q, E415Q, E423Q, E437Q, E441Q, E464Q, E574Q.
Identifiers: ClinVar variation 3750433 (VCV003750433.2).